The following is an entry in ClinVar:

NM_001166108.2(PALLD):c.1965-12654G>T

Gene: PALLD (palladin, cytoskeletal associated protein; plus strand). Cytogenetic location: 4q32.3.
Variant type: single nucleotide variant.
Coding change: c.1965-12654G>T on transcript NM_001166108.2 (MANE Select); 12654 bases into the intron before coding-DNA position 1965, G replaced by T.
Molecular consequence: intron variant. On other transcripts: missense variant (1).
Genome position (GRCh38, 1-based): chr4:168,878,268, G>T. VCF-style: chr4-168878268-G-T. GRCh37 (hg19) VCF-style: chr4-169799419-G-T.
Other names: c.377G>T, p.Cys126Phe (NM_001166110.2); c.1965-12654G>T (NM_016081.4); c.819-12654G>T (NM_001166109.2); c.-157-12654G>T (NM_001367570.1, NM_001367568.1, NM_001367567.1 and 1 more transcripts); short protein forms C126F.
Identifiers: ClinVar variation 4861566 (VCV004861566.1).

ClinVar aggregate classification (germline): Uncertain significance (1 of 4 stars; one submission).

Submission:

Ambry Genetics
Classification: Uncertain significance. Last evaluated: 2026-06-03. Review status: criteria provided, single submitter. Criteria: Ambry Variant Classification Scheme 2023. Collection method: clinical testing. Allele origin: germline.
Comment: The p.C126F variant (also known as c.377G>T), located in coding exon 1 of the PALLD gene, results from a G to T substitution at nucleotide position 377. The cysteine at codon 126 is replaced by phenylalanine, an amino acid with highly dissimilar properties. This amino acid position is conserved. In addition, this alteration is predicted to be tolerated by in silico analysis. Based on the available evidence, the clinical significance of this variant remains unclear.